The following is an entry in ClinVar:

NM_001848.3(COL6A1):c.1817G>T (p.Cys606Phe)

Gene: COL6A1 (collagen type VI alpha 1 chain; plus strand). Cytogenetic location: 21q22.3.
Variant type: single nucleotide variant.
Coding change: c.1817G>T on transcript NM_001848.3 (MANE Select); coding-DNA position 1817, G replaced by T.
Protein change: p.Cys606Phe; replaces cysteine 606 with phenylalanine.
Molecular consequence: missense variant.
Genome position (GRCh38, 1-based): chr21:46,000,762, G>T. VCF-style: chr21-46000762-G-T. GRCh37 (hg19) VCF-style: chr21-47420676-G-T.
Other names: c.1817G>T (NM_001848.2); short protein forms C606F.
Identifiers: ClinVar variation 288388 (VCV000288388.11), dbSNP rs368925441, ClinGen allele CA10070602.

ClinVar aggregate classification (germline): Uncertain significance. Review status: criteria provided, multiple submitters, no conflicts (2 of 4 stars). 3 submissions from 3 submitters: Uncertain significance (3). Last evaluated 2025-04-03.

Conditions:
Inborn genetic diseases. Identifiers: MedGen C0950123, MeSH D030342.
Bethlem myopathy 1A. Also called: Bethlem Muscular Dystrophy; MYOPATHY, BENIGN CONGENITAL, WITH CONTRACTURES; Bethlem myopathy 1. Identifiers: Orphanet 610, MedGen CN029274, MONDO:0024530, OMIM 158810.

Allele frequency attached by ClinVar (database versions not stated): ExAC 0.00001; gnomAD 0.00001; gnomAD exomes 0.00001 and 0.00003; TOPMed 0.00002; ESP Exome Variant Server 0.00008.
gnomAD v4.1: 50 of 1,613,872 alleles (0.0031%); highest among the groups gnomAD compares: Non-Finnish European, 0.0042%; no homozygotes.

Submissions (3):

Ambry Genetics
Classification: Uncertain significance for Inborn genetic diseases. Last evaluated: 2025-04-03. Review status: criteria provided, single submitter. Criteria: Ambry Variant Classification Scheme 2023. Collection method: clinical testing. Allele origin: germline.

Labcorp Genetics (formerly Invitae), Labcorp
Classification: Uncertain significance for Bethlem myopathy 1A. Last evaluated: 2022-10-17. Review status: criteria provided, single submitter. Criteria: Invitae Variant Classification Sherloc (09022015). Collection method: clinical testing. Allele origin: germline.
Comment: Advanced modeling of protein sequence and biophysical properties (such as structural, functional, and spatial information, amino acid conservation, physicochemical variation, residue mobility, and thermodynamic stability) performed at Invitae indicates that this missense variant is expected to disrupt COL6A1 protein function. ClinVar contains an entry for this variant (Variation ID: 288388). This variant has not been reported in the literature in individuals affected with COL6A1-related conditions. This variant is present in population databases (rs368925441, gnomAD 0.002%). This sequence change replaces cysteine, which is neutral and slightly polar, with phenylalanine, which is neutral and non-polar, at codon 606 of the COL6A1 protein (p.Cys606Phe). In summary, the available evidence is currently insufficient to determine the role of this variant in disease. Therefore, it has been classified as a Variant of Uncertain Significance.

Eurofins Ntd Llc (ga)
Classification: Uncertain significance. Last evaluated: 2016-05-31. Review status: criteria provided, single submitter. Criteria: EGL Classification Definitions 2015. Collection method: clinical testing. Allele origin: germline. Observed: 1 variant allele, 1 heterozygote.